The following is an entry in ClinVar:

NM_001048166.1(STIL):c.892A>G (p.Asn298Asp)

Gene: STIL (STIL centriolar assembly protein; minus strand). Cytogenetic location: 1p33.
Variant type: single nucleotide variant.
Coding change: c.892A>G on transcript NM_001048166.1 (MANE Select); coding-DNA position 892, A replaced by G.
Protein change: p.Asn298Asp; replaces asparagine 298 with aspartic acid.
Molecular consequence: missense variant.
Genome position (GRCh38, 1-based): chr1:47,289,566, T>C on the plus strand (A>G on the coding strand, the complement: STIL is on the minus strand). VCF-style: chr1-47289566-T-C. GRCh37 (hg19) VCF-style: chr1-47755238-T-C.
Other names: c.892A>G, p.Asn298Asp (NM_001282936.1, NM_001282937.1, NM_003035.2); c.751A>G, p.Asn251Asp (NM_001282938.1, NM_001282939.1); short protein forms N298D, N251D.
Identifiers: ClinVar variation 282750 (VCV000282750.16), dbSNP rs770213403, ClinGen allele CA842482.

ClinVar aggregate classification (germline): Conflicting classifications of pathogenicity. Review status: criteria provided, conflicting classifications (1 of 4 stars). 7 submissions from 7 submitters: Uncertain significance (5); Likely benign (1). 1 of the submissions does not count toward it. Last evaluated 2022-04-14.

Conditions:
STIL-related disorder. Also called: STIL-related condition.
Inborn genetic diseases. Identifiers: MedGen C0950123, MeSH D030342.
Microcephaly 7, primary, autosomal recessive. Identifiers: Orphanet 2512, MedGen C2675187, MONDO:0012989, OMIM 612703.

Allele frequency attached by ClinVar (database versions not stated): gnomAD 0.00003 and 0.00004; TOPMed 0.00010; gnomAD exomes 0.00012 and 0.00025; ExAC 0.00013.
gnomAD v4.1: 79 of 1,613,484 alleles (0.0049%); highest among the groups gnomAD compares: Admixed American, 0.13%; no homozygotes.

Submissions (7):

Ambry Genetics
Classification: Likely benign for Inborn genetic diseases. Last evaluated: 2022-04-14. Review status: criteria provided, single submitter. Criteria: Ambry Variant Classification Scheme 2023. Collection method: clinical testing. Allele origin: germline.

Labcorp Genetics (formerly Invitae), Labcorp
Classification: Uncertain significance. Last evaluated: 2021-09-17. Review status: criteria provided, single submitter. Criteria: Invitae Variant Classification Sherloc (09022015). Collection method: clinical testing. Allele origin: germline.
Comment: This sequence change replaces asparagine with aspartic acid at codon 298 of the STIL protein (p.Asn298Asp). The asparagine residue is moderately conserved and there is a small physicochemical difference between asparagine and aspartic acid. This variant is present in population databases (rs770213403, ExAC 0.1%). This variant has not been reported in the literature in individuals affected with STIL-related conditions. ClinVar contains an entry for this variant (Variation ID: 282750). Algorithms developed to predict the effect of missense changes on protein structure and function (SIFT, PolyPhen-2, Align-GVGD) all suggest that this variant is likely to be tolerated. In summary, the available evidence is currently insufficient to determine the role of this variant in disease. Therefore, it has been classified as a Variant of Uncertain Significance.

GeneDx
Classification: Uncertain significance. Last evaluated: 2021-01-14. Review status: criteria provided, single submitter. Criteria: GeneDx Variant Classification Process June 2021. Collection method: clinical testing. Allele origin: germline. Affected: yes.
Comment: In silico analysis supports that this missense variant does not alter protein structure/function; Has not been previously published as pathogenic or benign to our knowledge

Fulgent Genetics
Classification: Uncertain significance for Microcephaly 7, primary, autosomal recessive. Last evaluated: 2018-10-31. Review status: criteria provided, single submitter. Criteria: ACMG Guidelines, 2015. Collection method: clinical testing. Allele origin: unknown.

Athena Diagnostics
Classification: Uncertain significance. Last evaluated: 2017-12-15. Review status: criteria provided, single submitter. Criteria: Athena Diagnostics Criteria. Collection method: clinical testing. Allele origin: germline.

Eurofins Ntd Llc (ga)
Classification: Uncertain significance. Last evaluated: 2015-08-21. Review status: criteria provided, single submitter. Criteria: EGL Classification Definitions 2015. Collection method: clinical testing. Allele origin: germline. Observed: 1 variant allele, 1 heterozygote.

PreventionGenetics, part of Exact Sciences
Classification: Likely benign for STIL-related condition. Last evaluated: 2023-01-28. Review status: no assertion criteria provided. Collection method: clinical testing. Allele origin: germline. Not counted in ClinVar's aggregate classification.
Comment: This variant is classified as likely benign based on ACMG/AMP sequence variant interpretation guidelines (Richards et al. 2015 PMID: 25741868, with internal and published modifications).